The following is an entry in ClinVar:

ClinVar aggregate classification (germline): Uncertain significance. Review status: criteria provided, multiple submitters, no conflicts (2 of 4 stars). 2 submissions from 2 submitters: Uncertain significance (2). Last evaluated 2024-06-07.

Conditions:
Charcot-Marie-Tooth disease type 2. Also called: Charcot-Marie-Tooth type 2. Identifiers: Orphanet 64746, MedGen C0270914, MONDO:0018993.

Allele frequency attached by ClinVar (database versions not stated): gnomAD 0.00001; gnomAD exomes below 0.00001.
gnomAD v4.1: 8 of 1,613,834 alleles (0.0005%); highest among the groups gnomAD compares: South Asian, 0.0044%; 1 homozygote.

Submissions (2):

Ambry Genetics
Classification: Uncertain significance. Last evaluated: 2024-06-07. Review status: criteria provided, single submitter. Criteria: Ambry Variant Classification Scheme 2023. Collection method: clinical testing. Allele origin: germline.
Comment: The p.R1438C variant (also known as c.4312C>T), located in coding exon 39 of the KIF1B gene, results from a C to T substitution at nucleotide position 4312. The arginine at codon 1438 is replaced by cysteine, an amino acid with highly dissimilar properties. This amino acid position is highly conserved in available vertebrate species. In addition, this alteration is predicted to be deleterious by in silico analysis. Since supporting evidence is limited at this time, the clinical significance of this alteration remains unclear.

Labcorp Genetics (formerly Invitae), Labcorp
Classification: Uncertain significance for Charcot-Marie-Tooth disease type 2. Last evaluated: 2020-02-17. Review status: criteria provided, single submitter. Criteria: Invitae Variant Classification Sherloc (09022015). Collection method: clinical testing. Allele origin: germline.
Comment: This sequence change replaces arginine with cysteine at codon 1438 of the KIF1B protein (p.Arg1438Cys). The arginine residue is highly conserved and there is a large physicochemical difference between arginine and cysteine. This variant is not present in population databases (ExAC no frequency). This variant has not been reported in the literature in individuals with KIF1B-related conditions. Algorithms developed to predict the effect of missense changes on protein structure and function (SIFT, PolyPhen-2, Align-GVGD) all suggest that this variant is likely to be disruptive, but these predictions have not been confirmed by published functional studies and their clinical significance is uncertain. In summary, the available evidence is currently insufficient to determine the role of this variant in disease. Therefore, it has been classified as a Variant of Uncertain Significance.

NM_001365951.3(KIF1B):c.4450C>T (p.Arg1484Cys)

Gene: KIF1B (kinesin family member 1B; plus strand). Cytogenetic location: 1p36.22.
Variant type: single nucleotide variant.
Coding change: c.4450C>T on transcript NM_001365951.3 (MANE Select); coding-DNA position 4450, C replaced by T.
Protein change: p.Arg1484Cys; replaces arginine 1484 with cysteine.
Molecular consequence: missense variant.
Genome position (GRCh38, 1-based): chr1:10,365,183, C>T. VCF-style: chr1-10365183-C-T. GRCh37 (hg19) VCF-style: chr1-10425241-C-T.
Other names: c.4450C>T, p.Arg1484Cys (NM_001365952.1); c.4312C>T, p.Arg1438Cys (NM_015074.3); short protein forms R1438C, R1484C.
Identifiers: ClinVar variation 1016189 (VCV001016189.12), dbSNP rs1638533355, ClinGen allele CA338320775.